The following is an entry in ClinVar:

ClinVar aggregate classification (germline): Uncertain significance (1 of 4 stars; one submission).

Submission:

Dasa
Classification: Uncertain significance. Last evaluated: 2024-11-21. Review status: criteria provided, single submitter. Criteria: DASA Assertion Criteria. Collection method: clinical testing. Allele origin: germline.
Comment: NM_006005.3(WFS1):c.988_993del (p.Phe330_Phe331del) is an in-frame deletion predicted to remove amino acids from phenylalanine at protein position 330 through phenylalanine at protein position 331 without shifting the reading frame. This variant is absent from population databases. The currently available literature and clinical evidence are not sufficient to establish a definitive association between this variant and the reported condition. Therefore, this variant is classified as a variant of uncertain significance.

NM_006005.3(WFS1):c.985TTC[1] (p.Phe330_Phe331del)

Gene: WFS1 (wolframin ER transmembrane glycoprotein; plus strand). Cytogenetic location: 4p16.1.
Variant type: Microsatellite.
Coding change: c.985TTC[1] on transcript NM_006005.3 (MANE Select); one copy of the 3-base unit TTC starting at c.985; the reference has three copies in a row; two copies, 6 bases deleted; also written c.988_993del.
Protein change: p.Phe330_Phe331del.
Molecular consequence: inframe deletion.
Genome position (GRCh38, 1-based): chr4:6,300,783-6,300,788, TTCTTC deleted; deleting any 6 consecutive bases within chr4:6,300,778-6,300,788 gives the same sequence; the position shown is the placement nearest the transcript's 3' end. VCF-style (leftmost placement, unchanged base first): chr4-6300777-ATCTTCT-A. GRCh37 (hg19) VCF-style: chr4-6302504-ATCTTCT-A.
Other names: c.988_993del (NM_006005.3); c.985TTC[1], p.Phe330_Phe331del (NM_001145853.1).
Identifiers: ClinVar variation 4886349 (VCV004886349.2).
Genomic context (GRCh38, chr4:6,300,777, plus strand): 5'-TCCAGGGCAGGCATGCACTGGCTGTCCACCATCATCCCCACGCACCACATCAACGCGCTC[ATCTTCT>A]TCTTCATCGTCAGCAACCTCACCATCGACTTCTTCGCCTTCTTCATCCCGCTGGTCATCT-3'